The following is an entry in ClinVar:

ClinVar aggregate classification (germline): Uncertain significance (1 of 4 stars; one submission).

Conditions:
SOS1-related disorder. Also called: SOS1-related condition.

Submission:

PreventionGenetics, part of Exact Sciences
Classification: Uncertain significance for SOS1-related condition. Last evaluated: 2025-01-03. Review status: criteria provided, single submitter. Criteria: ACMG Guidelines, 2015. Collection method: clinical testing. Allele origin: germline.
Comment: The SOS1 c.1661T>C variant is predicted to result in the amino acid substitution p.Leu554Pro. To our knowledge, this variant has not been reported in the literature or in a large population database (gnomAD), indicating this variant is rare. An inframe deletion encompassing the Leu554 has been reported in an individual with Noonan syndrome (p.Glu551_Leu554del in Bertola et al. 2020. PubMed ID: 33128510). At this time, the clinical significance of this variant is uncertain due to the absence of conclusive functional and genetic evidence.

NM_005633.4(SOS1):c.1661T>C (p.Leu554Pro)

Gene: SOS1 (SOS Ras/Rac guanine nucleotide exchange factor 1; minus strand). Cytogenetic location: 2p22.1.
Variant type: single nucleotide variant.
Coding change: c.1661T>C on transcript NM_005633.4 (MANE Select); coding-DNA position 1661, T replaced by C.
Protein change: p.Leu554Pro; replaces leucine 554 with proline.
Molecular consequence: missense variant.
Genome position (GRCh38, 1-based): chr2:39,022,767, A>G on the plus strand (T>C on the coding strand, the complement: SOS1 is on the minus strand). VCF-style: chr2-39022767-A-G. GRCh37 (hg19) VCF-style: chr2-39249908-A-G.
Other names: c.1640T>C, p.Leu547Pro (NM_001382394.1); c.1661T>C, p.Leu554Pro (NM_001382395.1); short protein forms L547P, L554P.
Identifiers: ClinVar variation 4997171 (VCV004997171.1).